The following is an entry in ClinVar:

NM_003355.3(UCP2):c.337C>T (p.His113Tyr)

Gene: UCP2 (uncoupling protein 2; minus strand). Cytogenetic location: 11q13.4.
Variant type: single nucleotide variant.
Coding change: c.337C>T on transcript NM_003355.3 (MANE Select); coding-DNA position 337, C replaced by T.
Protein change: p.His113Tyr; replaces histidine 113 with tyrosine.
Molecular consequence: missense variant.
Genome position (GRCh38, 1-based): chr11:73,977,886, G>A on the plus strand (C>T on the coding strand, the complement: UCP2 is on the minus strand). VCF-style: chr11-73977886-G-A. GRCh37 (hg19) VCF-style: chr11-73688931-G-A.
Other names: c.337C>T, p.His113Tyr (NM_001381943.1, NM_001381944.1, NM_001381945.1 and 3 more transcripts); c.337C>T, p.Arg113Trp (NM_001381950.1); short protein forms H113Y, R113W.
Identifiers: ClinVar variation 1988822 (VCV001988822.4), dbSNP rs765670638, ClinGen allele CA6181178.

ClinVar aggregate classification (germline): Uncertain significance (1 of 4 stars; one submission).

Allele frequency attached by ClinVar (database versions not stated): gnomAD exomes 0.00004; ExAC 0.00008; gnomAD 0.00009; TOPMed 0.00014.

Submission:

Labcorp Genetics (formerly Invitae), Labcorp
Classification: Uncertain significance. Last evaluated: 2025-08-21. Review status: criteria provided, single submitter. Criteria: Invitae Variant Classification Sherloc (09022015). Collection method: clinical testing. Allele origin: germline.
Comment: This sequence change replaces histidine, which is basic and polar, with tyrosine, which is neutral and polar, at codon 113 of the UCP2 protein (p.His113Tyr). This variant is present in population databases (rs765670638, gnomAD 0.04%). This variant has not been reported in the literature in individuals affected with UCP2-related conditions. ClinVar contains an entry for this variant (Variation ID: 1988822). An algorithm developed to predict the effect of missense changes on protein structure and function (PolyPhen-2) suggests that this variant is likely to be tolerated. In summary, the available evidence is currently insufficient to determine the role of this variant in disease. Therefore, it has been classified as a Variant of Uncertain Significance.